The following is an entry in ClinVar:

NM_001177316.2(SLC34A3):c.926-3C>T

Gene: SLC34A3 (solute carrier family 34 member 3; plus strand). Cytogenetic location: 9q34.3.
Variant type: single nucleotide variant.
Coding change: c.926-3C>T on transcript NM_001177316.2 (MANE Select); 3 bases into the intron before coding-DNA position 926, C replaced by T.
Molecular consequence: intron variant.
Genome position (GRCh38, 1-based): chr9:137,234,106, C>T. VCF-style: chr9-137234106-C-T. GRCh37 (hg19) VCF-style: chr9-140128558-C-T.
Other names: c.926-3C>T (NM_001177317.2, NM_080877.3).
Identifiers: ClinVar variation 1039155 (VCV001039155.6), dbSNP rs1339056973, ClinGen allele CA861147012.

ClinVar aggregate classification (germline): Uncertain significance (1 of 4 stars; one submission).

Allele frequency attached by ClinVar (database versions not stated): gnomAD exomes 0.00001; TOPMed 0.00002; gnomAD 0.00003.
gnomAD v4.1: 12 of 1,567,334 alleles (0.00077%); highest among the groups gnomAD compares: Non-Finnish European, 0.001%; no homozygotes.

Submission:

Labcorp Genetics (formerly Invitae), Labcorp
Classification: Uncertain significance. Last evaluated: 2021-09-02. Review status: criteria provided, single submitter. Criteria: Invitae Variant Classification Sherloc (09022015). Collection method: clinical testing. Allele origin: germline.
Comment: This sequence change falls in intron 9 of the SLC34A3 gene. It does not directly change the encoded amino acid sequence of the SLC34A3 protein. It affects a nucleotide within the consensus splice site of the intron. This variant is not present in population databases (ExAC no frequency). This variant has not been reported in the literature in individuals affected with SLC34A3-related conditions. Variants that disrupt the consensus splice site are a relatively common cause of aberrant splicing (PMID: 17576681, 9536098). Algorithms developed to predict the effect of sequence changes on RNA splicing suggest that this variant is not likely to affect RNA splicing. In summary, the available evidence is currently insufficient to determine the role of this variant in disease. Therefore, it has been classified as a Variant of Uncertain Significance.

Literature cited by the submitters: PubMed 17576681; PubMed 9536098.